The following is an entry in ClinVar:

NM_004714.3(DYRK1B):c.924C>T (p.Thr308=)

Gene: DYRK1B (dual specificity tyrosine phosphorylation regulated kinase 1B; minus strand). Cytogenetic location: 19q13.2.
Variant type: single nucleotide variant.
Coding change: c.924C>T on transcript NM_004714.3 (MANE Select); coding-DNA position 924, C replaced by T.
Protein change: p.Thr308=; no amino-acid change (threonine 308 retained).
Molecular consequence: synonymous variant.
Genome position (GRCh38, 1-based): chr19:39,827,540, G>A on the plus strand (C>T on the coding strand, the complement: DYRK1B is on the minus strand). VCF-style: chr19-39827540-G-A. GRCh37 (hg19) VCF-style: chr19-40318180-G-A.
Other names: c.924C>T, p.Thr308= (NM_006483.3, NM_006484.3).
Identifiers: ClinVar variation 3350996 (VCV003350996.1).

ClinVar aggregate classification (germline): Likely benign (0 of 4 stars; one submission).

Conditions:
DYRK1B-related disorder. Also called: DYRK1B-related condition.

Submission:

PreventionGenetics, part of Exact Sciences
Classification: Likely benign for DYRK1B-related condition. Last evaluated: 2022-03-31. Review status: no assertion criteria provided. Collection method: clinical testing. Allele origin: germline.
Comment: This variant is classified as likely benign based on ACMG/AMP sequence variant interpretation guidelines (Richards et al. 2015 PMID: 25741868, with internal and published modifications).